The following is an entry in ClinVar:

NM_017491.5(WDR1):c.182T>C (p.Val61Ala)

Gene: WDR1 (WD repeat domain 1; minus strand). Cytogenetic location: 4p16.1.
Variant type: single nucleotide variant.
Coding change: c.182T>C on transcript NM_017491.5 (MANE Select); coding-DNA position 182, T replaced by C.
Protein change: p.Val61Ala; replaces valine 61 with alanine.
Molecular consequence: missense variant. On other transcripts: intron variant (1).
Genome position (GRCh38, 1-based): chr4:10,103,943, A>G on the plus strand (T>C on the coding strand, the complement: WDR1 is on the minus strand). VCF-style: chr4-10103943-A-G. GRCh37 (hg19) VCF-style: chr4-10105567-A-G.
Other names: p.Val61Ala; c.138+12170T>C (NM_005112.5); short protein forms V61A.
Identifiers: ClinVar variation 777804 (VCV000777804.40), dbSNP rs200525851, ClinGen allele CA2858197.

ClinVar aggregate classification (germline): Benign/Likely benign. Review status: criteria provided, multiple submitters, no conflicts (2 of 4 stars). 6 submissions from 6 submitters: Benign (2); Likely benign (2). 2 of the submissions do not count toward it. Last evaluated 2026-01-27.

Allele frequency attached by ClinVar (database versions not stated): 1000 Genomes Project 0.00120; 1000 Genomes Project 30x 0.00125; TOPMed 0.00249; ESP Exome Variant Server 0.00270; gnomAD 0.00360 and 0.00377; gnomAD exomes 0.00383 and 0.00423; ExAC 0.00657.
gnomAD v4.1: 6,640 of 1,602,920 alleles (0.41%); highest among the groups gnomAD compares: Non-Finnish European, 0.44%; 24 homozygotes.

Submissions (6):

Labcorp Genetics (formerly Invitae), Labcorp
Classification: Benign. Last evaluated: 2026-01-27. Review status: criteria provided, single submitter. Criteria: Invitae Variant Classification Sherloc (09022015). Collection method: clinical testing. Allele origin: germline.

Mayo Clinic Laboratories, Mayo Clinic
Classification: Likely benign. Last evaluated: 2025-08-07. Review status: criteria provided, single submitter. Criteria: ACMG Guidelines, 2015. Collection method: clinical testing. Allele origin: germline. Observed: 3 variant alleles.
Comment: BS1_supporting, BS2

CeGaT Center for Human Genetics Tuebingen
Classification: Likely benign. Last evaluated: 2025-08-01. Review status: criteria provided, single submitter. Criteria: CeGaT Center For Human Genetics Tuebingen Variant Classification Criteria Version 2. Collection method: clinical testing. Allele origin: germline. Affected: yes. Observed: 7 variant alleles.
Comment: WDR1: BS2

Breakthrough Genomics
Classification: Benign. Review status: criteria provided, single submitter. Criteria: ACMG Guidelines, 2015. Collection method: not provided. Allele origin: germline. Inheritance: Autosomal recessive inheritance. Affected: yes.

Clinical Genetics DNA and cytogenetics Diagnostics Lab, Erasmus MC, Erasmus Medical Center
Classification: Likely benign. Review status: no assertion criteria provided. Collection method: clinical testing. Allele origin: germline. Affected: yes. Study: VKGL Data-share Consensus. Not counted in ClinVar's aggregate classification.

Genome Diagnostics Laboratory, University Medical Center Utrecht
Classification: Likely benign. Review status: no assertion criteria provided. Collection method: clinical testing. Allele origin: germline. Affected: yes. Study: VKGL Data-share Consensus. Not counted in ClinVar's aggregate classification.

Literature cited by the submitters: PubMed 33057194 (cited by Mayo Clinic Laboratories, Mayo Clinic); PubMed 35982159 (cited by Mayo Clinic Laboratories, Mayo Clinic).